The following is an entry in ClinVar:

NM_005618.4(DLL1):c.527G>T (p.Arg176Leu)

Gene: DLL1 (delta like canonical Notch ligand 1; minus strand). Cytogenetic location: 6q27.
Variant type: single nucleotide variant.
Coding change: c.527G>T on transcript NM_005618.4 (MANE Select); coding-DNA position 527, G replaced by T.
Protein change: p.Arg176Leu; replaces arginine 176 with leucine.
Molecular consequence: missense variant.
Genome position (GRCh38, 1-based): chr6:170,288,382, C>A on the plus strand (G>T on the coding strand, the complement: DLL1 is on the minus strand). VCF-style: chr6-170288382-C-A. GRCh37 (hg19) VCF-style: chr6-170597470-C-A.
Other names: short protein forms R176L.
Identifiers: ClinVar variation 2504765 (VCV002504765.1), dbSNP rs2483358266, ClinGen allele CA366509373.
Genomic context (GRCh38, chr6:170,288,382, plus strand): 5'-TCCCGGGGACGGCAGAAAACGGAGCAGCCCTCTCCGTAGTAGTGTTCGTCACACACGAAG[C>A]GGTAGGAGTACTTGAGGTCCGTGCGGCCGCTGCTGTGCAGGTCCTGGGACCACTCCTCGC-3'
Protein context (NP_005609.3, residues 166-186): SGRTDLKYSY[Arg176Leu]FVCDEHYYGE

ClinVar aggregate classification (germline): Uncertain significance (1 of 4 stars; one submission).

Submission:

GeneDx
Classification: Uncertain significance. Last evaluated: 2022-12-06. Review status: criteria provided, single submitter. Criteria: GeneDx Variant Classification Process June 2021. Collection method: clinical testing. Allele origin: germline. Affected: yes.
Comment: Not observed at significant frequency in large population cohorts (gnomAD); In silico analysis supports that this missense variant has a deleterious effect on protein structure/function; Has not been previously published as pathogenic or benign to our knowledge